The following is an entry in ClinVar:

NM_001378120.1(MBD5):c.2569G>A (p.Ala857Thr)

Gene: MBD5 (methyl-CpG binding domain protein 5; plus strand). Cytogenetic location: 2q23.1.
Variant type: single nucleotide variant.
Coding change: c.2569G>A on transcript NM_001378120.1 (MANE Select); coding-DNA position 2569, G replaced by A.
Protein change: p.Ala857Thr; replaces alanine 857 with threonine.
Molecular consequence: missense variant.
Genome position (GRCh38, 1-based): chr2:148,483,160, G>A. VCF-style: chr2-148483160-G-A. GRCh37 (hg19) VCF-style: chr2-149240729-G-A.
Other names: c.2569G>A, p.Ala857Thr (NM_018328.5); short protein forms A857T.
Identifiers: ClinVar variation 845870 (VCV000845870.16), dbSNP rs769330358, ClinGen allele CA1900195.

ClinVar aggregate classification (germline): Conflicting classifications of pathogenicity. Review status: criteria provided, conflicting classifications (1 of 4 stars). 4 submissions from 4 submitters: Uncertain significance (2); Likely benign (2). Last evaluated 2024-09-27.

Conditions:
Inborn genetic diseases. Identifiers: MedGen C0950123, MeSH D030342.
Intellectual developmental disorder, autosomal dominant 1. Also called: Intellectual disability, autosomal dominant 1; MBD5 Haploinsufficiency. Identifiers: Orphanet 228402, MedGen C1969562, MONDO:0007974, OMIM 156200.

Allele frequency attached by ClinVar (database versions not stated): ExAC 0.00001; gnomAD exomes 0.00001; gnomAD 0.00003 and 0.00001.
gnomAD v4.1: 86 of 1,612,658 alleles (0.0053%); highest among the groups gnomAD compares: Admixed American, 0.0067%; no homozygotes.

Submissions (4):

Ambry Genetics
Classification: Likely benign for Inborn genetic diseases. Last evaluated: 2024-09-27. Review status: criteria provided, single submitter. Criteria: Ambry Variant Classification Scheme 2023. Collection method: clinical testing. Allele origin: germline.

Labcorp Genetics (formerly Invitae), Labcorp
Classification: Uncertain significance for Intellectual developmental disorder, autosomal dominant 1. Last evaluated: 2024-05-15. Review status: criteria provided, single submitter. Criteria: Invitae Variant Classification Sherloc (09022015). Collection method: clinical testing. Allele origin: germline.
Comment: This sequence change replaces alanine, which is neutral and non-polar, with threonine, which is neutral and polar, at codon 857 of the MBD5 protein (p.Ala857Thr). This variant is present in population databases (rs769330358, gnomAD 0.003%). This missense change has been observed in individual(s) with MBD5-related conditions (PMID: 17847001). ClinVar contains an entry for this variant (Variation ID: 845870). Advanced modeling of protein sequence and biophysical properties (such as structural, functional, and spatial information, amino acid conservation, physicochemical variation, residue mobility, and thermodynamic stability) performed at Invitae indicates that this missense variant is not expected to disrupt MBD5 protein function with a negative predictive value of 80%. In summary, the available evidence is currently insufficient to determine the role of this variant in disease. Therefore, it has been classified as a Variant of Uncertain Significance.

GeneDx
Classification: Likely benign. Last evaluated: 2021-05-20. Review status: criteria provided, single submitter. Criteria: GeneDx Variant Classification Process June 2021. Collection method: clinical testing. Allele origin: germline. Affected: yes.

Revvity Omics, Revvity
Classification: Uncertain significance. Last evaluated: 2019-12-11. Review status: criteria provided, single submitter. Criteria: ACMG Guidelines, 2015. Collection method: clinical testing. Allele origin: germline.

Literature cited by the submitters: PubMed 17847001 (cited by Labcorp Genetics (formerly Invitae), Labcorp).